The following is an entry in ClinVar:

NM_002439.5(MSH3):c.3347C>T (p.Ala1116Val)

Gene: MSH3 (mutS homolog 3; plus strand). Cytogenetic location: 5q14.1.
Variant type: single nucleotide variant.
Coding change: c.3347C>T on transcript NM_002439.5 (MANE Select); coding-DNA position 3347, C replaced by T.
Protein change: p.Ala1116Val; replaces alanine 1116 with valine.
Molecular consequence: missense variant.
Genome position (GRCh38, 1-based): chr5:80,875,795, C>T. VCF-style: chr5-80875795-C-T. GRCh37 (hg19) VCF-style: chr5-80171614-C-T.
Other names: short protein forms A1116V.
Identifiers: ClinVar variation 1730470 (VCV001730470.5), dbSNP rs2478808891, ClinGen allele CA360347365.

ClinVar aggregate classification (germline): Uncertain significance. Review status: criteria provided, multiple submitters, no conflicts (2 of 4 stars). 2 submissions from 2 submitters: Uncertain significance (2). Last evaluated 2023-04-07.

Conditions:
Hereditary cancer-predisposing syndrome. Also called: Neoplastic Syndromes, Hereditary; Tumor predisposition; Hereditary Cancer Syndrome; Hereditary neoplastic syndrome. Identifiers: Orphanet 140162, MedGen C0027672, MeSH D009386, MONDO:0015356.

Submissions (2):

Labcorp Genetics (formerly Invitae), Labcorp
Classification: Uncertain significance. Last evaluated: 2023-04-07. Review status: criteria provided, single submitter. Criteria: Invitae Variant Classification Sherloc (09022015). Collection method: clinical testing. Allele origin: germline.
Comment: This sequence change replaces alanine, which is neutral and non-polar, with valine, which is neutral and non-polar, at codon 1116 of the MSH3 protein (p.Ala1116Val). In summary, the available evidence is currently insufficient to determine the role of this variant in disease. Therefore, it has been classified as a Variant of Uncertain Significance. Algorithms developed to predict the effect of missense changes on protein structure and function output the following: SIFT: "Not Available"; PolyPhen-2: "Benign"; Align-GVGD: "Not Available". The valine amino acid residue is found in multiple mammalian species, which suggests that this missense change does not adversely affect protein function. ClinVar contains an entry for this variant (Variation ID: 1730470). This variant has not been reported in the literature in individuals affected with MSH3-related conditions. This variant is not present in population databases (gnomAD no frequency).

Ambry Genetics
Classification: Uncertain significance for Hereditary cancer-predisposing syndrome. Last evaluated: 2021-03-22. Review status: criteria provided, single submitter. Criteria: Ambry Variant Classification Scheme 2023. Collection method: clinical testing. Allele origin: germline.
Comment: The p.A1116V variant (also known as c.3347C>T), located in coding exon 24 of the MSH3 gene, results from a C to T substitution at nucleotide position 3347. The alanine at codon 1116 is replaced by valine, an amino acid with similar properties. This alteration was observed in 1/30 normal colon samples (Ashktorab H et al. Oncotarget, 2017 Nov;8:99966-99977). This amino acid position is not well conserved in available vertebrate species. In addition, this alteration is predicted to be tolerated by in silico analysis. Since supporting evidence is limited at this time, the clinical significance of this alteration remains unclear.

Literature cited by the submitters: PubMed 29245953 (cited by Ambry Genetics).